The following is an entry in ClinVar:

ClinVar aggregate classification (germline): Conflicting classifications of pathogenicity. Review status: criteria provided, conflicting classifications (1 of 4 stars). 6 submissions from 6 submitters: Uncertain significance (4); Likely benign (1). 1 of the submissions does not count toward it. Last evaluated 2026-05-07.

Conditions:
Inborn genetic diseases. Identifiers: MedGen C0950123, MeSH D030342.
Usher syndrome type 2A. Also called: RETINAL DISEASE IN USHER SYNDROME TYPE IIA, MODIFIER OF; USHER SYNDROME, TYPE IIA. Identifiers: Orphanet 231178, Orphanet 886, MedGen C1848634, MONDO:0010169, OMIM 276901.

Allele frequency attached by ClinVar (database versions not stated): gnomAD exomes 0.00007 and 0.00011; ExAC 0.00008; TOPMed 0.00011; gnomAD 0.00015 and 0.00016; ESP Exome Variant Server 0.00031.
gnomAD v4.1: 189 of 1,614,028 alleles (0.012%); highest among the groups gnomAD compares: Non-Finnish European, 0.015%; no homozygotes.

Submissions (6):

Ambry Genetics
Classification: Uncertain significance for Inborn genetic diseases. Last evaluated: 2026-05-07. Review status: criteria provided, single submitter. Criteria: Ambry Variant Classification Scheme 2023. Collection method: clinical testing. Allele origin: germline.

Labcorp Genetics (formerly Invitae), Labcorp
Classification: Likely benign. Last evaluated: 2026-01-19. Review status: criteria provided, single submitter. Criteria: Invitae Variant Classification Sherloc (09022015). Collection method: clinical testing. Allele origin: germline.

Blueprint Genetics
Classification: Uncertain significance. Last evaluated: 2024-10-07. Review status: criteria provided, single submitter. Criteria: ACMG Guidelines, 2015. Collection method: clinical testing. Allele origin: germline.

GeneDx
Classification: Uncertain significance. Last evaluated: 2024-04-03. Review status: criteria provided, single submitter. Criteria: GeneDx Variant Classification Process June 2021. Collection method: clinical testing. Allele origin: germline. Affected: yes.
Comment: In silico analysis supports that this missense variant does not alter protein structure/function; Has not been previously published as pathogenic or benign to our knowledge

Laboratory for Molecular Medicine, Mass General Brigham Personalized Medicine
Classification: Uncertain significance. Last evaluated: 2017-02-21. Review status: criteria provided, single submitter. Criteria: LMM Criteria. Collection method: clinical testing. Allele origin: germline. Observed: 1 variant allele.
Comment: The p.Glu3912Lys variant in USH2A has not been previously reported in individual s with hearing loss, but has been identified in 20/124246 European chromosomes b y the Genome Aggregation Database (gnomAD; dbS NP rs142617606). Although this variant has been seen in the general population, its frequency is not high enough to rule out a pathogenic role. Computational pr ediction tools and conservation analyses do not provide strong support for or ag ainst an impact to the protein. In summary, the clinical significance of the p.G lu3912Lys variant is uncertain.

Natera, Inc.
Classification: Uncertain significance for Usher syndrome type 2A. Last evaluated: 2020-09-16. Review status: no assertion criteria provided. Collection method: clinical testing. Allele origin: germline. Not counted in ClinVar's aggregate classification.

NM_206933.4(USH2A):c.11734G>A (p.Glu3912Lys)

Gene: USH2A (usherin; minus strand). Cytogenetic location: 1q41.
Variant type: single nucleotide variant.
Coding change: c.11734G>A on transcript NM_206933.4 (MANE Select); coding-DNA position 11734, G replaced by A.
Protein change: p.Glu3912Lys; replaces glutamic acid 3912 with lysine.
Molecular consequence: missense variant.
Genome position (GRCh38, 1-based): chr1:215,728,362, C>T on the plus strand (G>A on the coding strand, the complement: USH2A is on the minus strand). VCF-style: chr1-215728362-C-T. GRCh37 (hg19) VCF-style: chr1-215901704-C-T.
Other names: short protein forms E3912K.
Identifiers: ClinVar variation 178575 (VCV000178575.20), dbSNP rs142617606, ClinGen allele CA182590.
Genomic context (GRCh38, chr1:215,728,362, plus strand): 5'-GGGTGTCTCCTTCATCCATAAATTCAAGGGCTCCTTCTGACCAGACAAATAAAACAGACT[C>T]CTCTTCAATGCCAGCAGGGCGTCTGAAAGGAAACCAAGCAGGCAACCAGTGACAGCTGCA-3'
Protein context (NP_996816.3, residues 3902-3922): IYRRPAGIEE[Glu3912Lys]SVLFVWSEGA